The following is an entry in ClinVar:

NM_014634.4(PPM1F):c.128A>G (p.Lys43Arg)

Gene: PPM1F (protein phosphatase, Mg2+/Mn2+ dependent 1F; minus strand). Cytogenetic location: 22q11.22.
Variant type: single nucleotide variant.
Coding change: c.128A>G on transcript NM_014634.4 (MANE Select); coding-DNA position 128, A replaced by G.
Protein change: p.Lys43Arg; replaces lysine 43 with arginine.
Molecular consequence: missense variant. On other transcripts: intron variant (1).
Genome position (GRCh38, 1-based): chr22:21,945,921, T>C on the plus strand (A>G on the coding strand, the complement: PPM1F is on the minus strand). VCF-style: chr22-21945921-T-C. GRCh37 (hg19) VCF-style: chr22-22300293-T-C.
Other names: c.-298-6241A>G (NM_001410836.1); short protein forms K43R.
Identifiers: ClinVar variation 3620472 (VCV003620472.2).
Genomic context (GRCh38, chr22:21,945,921, plus strand): 5'-ATGGCCAGCTCAGCCAGCTCGCCCTCCACCTCCTCCTGGCTGAGCACCGTCCCTGGGGCC[T>C]TCCATGGCAGAGGGTCCTCTGGGTTCAGCAGGGCTGGGAAGTCTTGCAGGAGCGTGTCCA-3'
Protein context (NP_055449.1, residues 33-53): LLNPEDPLPW[Lys43Arg]APGTVLSQEE

ClinVar aggregate classification (germline): Uncertain significance (1 of 4 stars; one submission).

Submission:

Labcorp Genetics (formerly Invitae), Labcorp
Classification: Uncertain significance. Last evaluated: 2024-11-18. Review status: criteria provided, single submitter. Criteria: Invitae Variant Classification Sherloc (09022015). Collection method: clinical testing. Allele origin: germline.
Comment: This sequence change replaces lysine, which is basic and polar, with arginine, which is basic and polar, at codon 43 of the PPM1F protein (p.Lys43Arg). This variant is present in population databases (no rsID available, gnomAD 0.006%). This variant has not been reported in the literature in individuals affected with PPM1F-related conditions. An algorithm developed to predict the effect of missense changes on protein structure and function outputs the following: PolyPhen-2: "Benign". The arginine amino acid residue is found in multiple mammalian species, which suggests that this missense change does not adversely affect protein function. In summary, the available evidence is currently insufficient to determine the role of this variant in disease. Therefore, it has been classified as a Variant of Uncertain Significance.